The following continues an entry in ClinVar:

NM_000492.4(CFTR):c.293A>G (p.Gln98Arg)

Gene: CFTR. ClinVar aggregate classification (germline): Pathogenic. Pathogenic (1).

Submissions 10 to 17 of 17:

ARUP Laboratories, Molecular Genetics and Genomics, ARUP Laboratories
Classification: Pathogenic. Last evaluated: 2019-03-28. Review status: criteria provided, single submitter. Criteria: ARUP Molecular Germline Variant Investigation Process. Collection method: clinical testing. Allele origin: germline. Not counted in ClinVar's aggregate classification.
Comment: The CFTR c.293A>G; p.Gln98Arg variant (rs397508464) has been reported in multiple patients with cystic fibrosis (CF), either in trans to another pathogenic CFTR variant (Jung 2011, Koh 2005, Romey 1995) or in the homozygous state (Izumikawa 2009, Liu 2015). In testing performed at ARUP Laboratories, this variant has also been identified in multiple individuals with symptoms of CF who carry another pathogenic CFTR variant. Affected individuals with this variant can present with or without pancreatic insufficiency, although most are pancreatic-sufficient (CFTR2 database). The p.Gln98Arg variant is reported as pathogenic by multiple laboratories in ClinVar (Variation ID: 53606), and it is observed on only two chromosomes (2/251054 alleles) in the Genome Aggregation Database. The glutamine at residue 98 is highly conserved, it is located in the pore of the transmembrane channel of CFTR (Akabas 1994, Das 2017), and computational algorithms (PolyPhen-2, SIFT) predict that this variant is deleterious. Consistent with these predictions, the variant protein exhibits only 5.4% of wildtype chloride channel activity in a biochemical assay (Raraigh 2018). Based on available information, the p.Gln98Arg variant is considered to be pathogenic. References: CFTR2 database: Akabas M et al. Amino acid residues lining the chloride channel of the cystic fibrosis transmembrane conductance regulator. J Biol Chem. 1994; 269(21):14865-8. Das J et al. Transmembrane helical interactions in the CFTR channel pore. PLoS Comput Biol. 2017; 13(6):e1005594. Izumikawa K et al. Unique mutations of the cystic fibrosis transmembrane conductance regulator gene of three cases of cystic fibrosis in Nagasaki, Japan. Intern Med. 2009; 48(15):1327-31. Jung H et al. Heterogeneous spectrum of CFTR gene mutations in Korean patients with cystic fibrosis. Korean J Lab Med. 2011; 31(3):219-24. Koh W et al. Report of a Korean patient with cystic fibrosis, carrying Q98R and Q220X mutations in the CFTR gene. J Korean Med Sci. 2006; 21(3):563-6. Liu Y et al. Characterization of gene mutations and phenotypes of cystic fibrosis in Chinese patients. Respirology. 2015; 20(2):312-8. Raraigh KS et al. Functional Assays Are Essential for Interpretation of Missense Variants Associated with Variable Expressivity. Am J Hum Genet. 2018 Jun 7;102(6):1062-1077. Romey M et al. Novel missense mutation in the first transmembrane segment of the CFTR gene (Q98R) identified in a male adult. Hum Mutat. 1995; 6(2):190-1.

Fulgent Genetics
Classification: Likely pathogenic for Hereditary pancreatitis; Bronchiectasis with or without elevated sweat chloride 1; Cystic fibrosis; Congenital bilateral aplasia of vas deferens from CFTR mutation. Last evaluated: 2018-10-31. Review status: criteria provided, single submitter. Criteria: ACMG Guidelines, 2015. Collection method: clinical testing. Allele origin: unknown. Not counted in ClinVar's aggregate classification.

CFTR-France
Classification: Pathogenic for cystic fibrosis. Last evaluated: 2018-03-09. Review status: criteria provided, single submitter. Criteria: Claustres M et al. (Hum Mutat 2017). Collection method: curation. Allele origin: germline. Affected: yes. Not counted in ClinVar's aggregate classification.

Women's Health and Genetics/Laboratory Corporation of America, LabCorp
Classification: Pathogenic for Cystic fibrosis. Last evaluated: 2017-05-01. Review status: criteria provided, single submitter. Criteria: LabCorp Variant Classification Summary - May 2015. Collection method: clinical testing. Allele origin: germline. Not counted in ClinVar's aggregate classification.
Comment: Variant summary: The CFTR c.293A>G (p.Gln98Arg) variant involves the alteration of a conserved nucleotide located in the ABC transporter type 1, transmembrane domain of the protein (InterPro). 4/5 in silico tools predict a damaging outcome for this variant. This variant was found in 2/119728 control chromosomes at a frequency of 0.0000167, which does not exceed the estimated maximal expected allele frequency of a pathogenic CFTR variant (0.0129603). This variant has been reported in numerous CF patients with diverse ethnicity background including Caucasians, African Americans, and Asians. The variant in these patients present both homozygously and compound heterozygously. Taken together, this variant is classified as pathogenic.

Baylor Genetics
Classification: Likely pathogenic for Congenital bilateral aplasia of vas deferens from CFTR mutation; Cystic fibrosis. Review status: criteria provided, single submitter. Criteria: ACMG Guidelines, 2015. Collection method: clinical testing. Allele origin: germline. Not counted in ClinVar's aggregate classification.

Juno Genomics, Hangzhou Juno Genomics, Inc
Classification: Pathogenic for Congenital bilateral aplasia of vas deferens from CFTR mutation; Cystic fibrosis. Review status: criteria provided, single submitter. Criteria: ACMG Guidelines, 2015. Collection method: clinical testing. Allele origin: germline. Not counted in ClinVar's aggregate classification.
Comment: Absent from controls (or at extremely low frequency if recessive) in Genome Aggregation Database.;Multiple lines of computational evidence support a deleterious effect on the gene or gene product.;For recessive disorders, detected in trans with a pathogenic variant.;Patient's phenotype or family history is highly specific for a disease with a single genetic etiology.

Baylor Genetics
Classification: Pathogenic for Cystic fibrosis. Last evaluated: 2021-08-21. Review status: no assertion criteria provided. Collection method: clinical testing. Allele origin: unknown. Not counted in ClinVar's aggregate classification.

Counsyl
Classification: Likely pathogenic for Cystic fibrosis. Last evaluated: 2017-02-01. Review status: no assertion criteria provided. Collection method: clinical testing. Allele origin: unknown. Not counted in ClinVar's aggregate classification.

Literature cited by the submitters: PubMed 25580864 (cited by 5 submitters); PubMed 32539862 (cited by Natera, Inc.); PubMed 7581407 (cited by 4 submitters); PubMed 16778407 (cited by 3 submitters); PubMed 19652440 (cited by 4 submitters); PubMed 29805046 (cited by 4 submitters); PubMed 15504721 (cited by Ambry Genetics); PubMed 21779199 (cited by 3 submitters); PubMed 23687349 (cited by 3 submitters); PubMed 9150159 (cited by Women's Health and Genetics/Laboratory Corporation of America, LabCorp); PubMed 10923036 (cited by Women's Health and Genetics/Laboratory Corporation of America, LabCorp); PubMed 15300780 (cited by Women's Health and Genetics/Laboratory Corporation of America, LabCorp); PubMed 17331079 (cited by Women's Health and Genetics/Laboratory Corporation of America, LabCorp); PubMed 15858154 (cited by Women's Health and Genetics/Laboratory Corporation of America, LabCorp); PubMed 15365999 (cited by Women's Health and Genetics/Laboratory Corporation of America, LabCorp and Counsyl); PubMed 15698946 (cited by Women's Health and Genetics/Laboratory Corporation of America, LabCorp); PubMed 18456578 (cited by Baylor Genetics).